The following is an entry in ClinVar:

NM_000540.3(RYR1):c.2551G>A (p.Val851Met)

Gene: RYR1 (ryanodine receptor 1; plus strand). Cytogenetic location: 19q13.2.
Variant type: single nucleotide variant.
Coding change: c.2551G>A on transcript NM_000540.3 (MANE Select); coding-DNA position 2551, G replaced by A.
Protein change: p.Val851Met; replaces valine 851 with methionine.
Molecular consequence: missense variant.
Genome position (GRCh38, 1-based): chr19:38,460,565, G>A. VCF-style: chr19-38460565-G-A. GRCh37 (hg19) VCF-style: chr19-38951205-G-A.
Other names: c.2551G>A, p.Val851Met (NM_001042723.2); short protein forms V851M.
Identifiers: ClinVar variation 201156 (VCV000201156.22), dbSNP rs375669412, ClinGen allele CA024355.

ClinVar aggregate classification (germline): Likely benign. Review status: criteria provided, multiple submitters, no conflicts (2 of 4 stars). 9 submissions from 8 submitters: Likely benign (9). Last evaluated 2026-01-01.

Conditions:
RYR1-related disorder. Also called: RYR1-related condition; RYR1-related disorders. Identifiers: MedGen CN239331.
Inborn genetic diseases. Identifiers: MedGen C0950123, MeSH D030342.
Epilepsy. Also called: Seizure disorder. Identifiers: MedGen C0014544, MeSH D004827, MONDO:0005027.
Malignant hyperthermia, susceptibility to, 1 (MHS1). Also called: RYR1-Related Malignant Hyperthermia Susceptibility; Anesthesia related hyperthermia; Malignant hyperpyrexia; Fulminating hyperpyrexia; Pharmacogenic myopathy; Malignant hyperthermia suceptibility 1. Identifiers: Orphanet 423, MedGen C2930980, MONDO:0007783, OMIM 145600.
Congenital multicore myopathy with external ophthalmoplegia (CMYO1B). Also called: MULTIMINICORE DISEASE WITH EXTERNAL OPHTHALMOPLEGIA; MULTICORE MYOPATHY; Minicore myopathy with external ophthalmoplegia; Congenital myopathy 1B, autosomal recessive; Minicore myopathy. Identifiers: Orphanet 598, Orphanet 98905, MedGen C1850674, MONDO:0009712, OMIM 255320, HP:0003789.

Allele frequency attached by ClinVar (database versions not stated): TOPMed 0.00002; gnomAD 0.00003; ESP Exome Variant Server 0.00008; 1000 Genomes Project 0.00060; 1000 Genomes Project 30x 0.00062.
gnomAD v4.1: 392 of 1,613,112 alleles (0.024%); highest among the groups gnomAD compares: South Asian, 0.38%; 4 homozygotes.

Submissions (9):

Labcorp Genetics (formerly Invitae), Labcorp
Classification: Likely benign for RYR1-related disorder. Last evaluated: 2026-01-01. Review status: criteria provided, single submitter. Criteria: Invitae Variant Classification Sherloc (09022015). Collection method: clinical testing. Allele origin: germline.

PreventionGenetics, part of Exact Sciences
Classification: Likely benign for RYR1-related condition. Last evaluated: 2025-06-30. Review status: criteria provided, single submitter. Criteria: ACMG Guidelines, 2015. Collection method: clinical testing. Allele origin: germline.
Comment: This variant is classified as likely benign based on ACMG/AMP sequence variant interpretation guidelines (Richards et al. 2015 PMID: 25741868, with internal and published modifications).

Blueprint Genetics
Classification: Likely benign. Last evaluated: 2024-10-08. Review status: criteria provided, single submitter. Criteria: ACMG Guidelines, 2015. Collection method: clinical testing. Allele origin: germline.

All of Us Research Program, National Institutes of Health
Classification: Likely benign for Malignant hyperthermia, susceptibility to, 1. Last evaluated: 2024-08-23. Review status: criteria provided, single submitter. Criteria: ACMG Guidelines, 2015. Collection method: clinical testing. Allele origin: germline. Inheritance: Autosomal dominant inheritance. Observed: 14 variant alleles, 14 heterozygotes.
Comment: This study involves interpretation of variants in research participants for the purpose of population health screening. Participant phenotype was not available at the time of variant classification. Additional details can be found in publication PMID: 35346344, PMCID: PMC8962531

Ambry Genetics
Classification: Likely benign for Inborn genetic diseases. Last evaluated: 2023-09-08. Review status: criteria provided, single submitter. Criteria: Ambry Variant Classification Scheme 2023. Collection method: clinical testing. Allele origin: germline.

Color Diagnostics, LLC DBA Color Health
Classification: Likely benign for Malignant hyperthermia, susceptibility to, 1. Last evaluated: 2022-05-03. Review status: criteria provided, single submitter. Criteria: ACMG Guidelines, 2015. Collection method: clinical testing. Allele origin: germline.

Cambridge Genomics Laboratory, East Genomic Laboratory Hub, NHS Genomic Medicine Service
Classification: Likely benign for Epilepsy. Last evaluated: 2020-05-14. Review status: criteria provided, single submitter. Criteria: ACGS Best Practice Guidelines for Variant Classification in Rare Disease 2020. Collection method: clinical testing. Allele origin: germline. Affected: yes. Observed: 1 variant allele.

Illumina Laboratory Services, Illumina
Classification: Likely benign for Malignant hyperthermia, susceptibility to, 1. Last evaluated: 2018-01-12. Review status: criteria provided, single submitter. Criteria: ICSL Variant Classification Criteria 13 December 2019. Collection method: clinical testing. Allele origin: germline.
Comment: This variant was observed in the ICSL laboratory as part of a predisposition screen in an ostensibly healthy population. It had not been previously curated by ICSL or reported in the Human Gene Mutation Database (HGMD: prior to June 1st, 2018), and was therefore a candidate for classification through an automated scoring system. Utilizing variant allele frequency, disease prevalence and penetrance estimates, and inheritance mode, an automated score was calculated to assess if this variant is too frequent to cause the disease. Based on the score and internal cut-off values, a variant classified as likely benign is not then subjected to further curation. The score for this variant resulted in a classification of likely benign for this disease.

Illumina Laboratory Services, Illumina
Classification: Likely benign for Congenital multicore myopathy with external ophthalmoplegia. Last evaluated: 2018-01-12. Review status: criteria provided, single submitter. Criteria: ICSL Variant Classification Criteria 13 December 2019. Collection method: clinical testing. Allele origin: germline.
Comment: the same text as in the submission from Illumina Laboratory Services, Illumina above.